The following is an entry in ClinVar:

ClinVar aggregate classification (germline): Uncertain significance. Review status: criteria provided, multiple submitters, no conflicts (2 of 4 stars). 2 submissions from 2 submitters: Uncertain significance (2). Last evaluated 2021-12-10.

Conditions:
Hereditary nonpolyposis colorectal neoplasms. Identifiers: MedGen C0009405, MeSH D003123.
Lynch syndrome 5 (LYNCH5). Also called: Colorectal cancer, hereditary nonpolyposis, type 5; Hereditary non-polyposis colorectal cancer, type 5. Identifiers: Orphanet 144, MedGen C1833477, MONDO:0013710, OMIM 614350. Disease mechanism: loss of function.
Mismatch repair cancer syndrome 3. Identifiers: MedGen C5436807, MONDO:0030841, OMIM 619097.
Endometrial carcinoma. Also called: Endometrial carcinoma, somatic. Identifiers: MedGen C0476089, MONDO:0002447, OMIM 608089, HP:0012114.

Submissions (2):

Fulgent Genetics
Classification: Uncertain significance for Endometrial carcinoma; Lynch syndrome 5; Mismatch repair cancer syndrome 3. Last evaluated: 2021-12-10. Review status: criteria provided, single submitter. Criteria: ACMG Guidelines, 2015. Collection method: clinical testing. Allele origin: unknown.

Labcorp Genetics (formerly Invitae), Labcorp
Classification: Uncertain significance for Hereditary nonpolyposis colorectal neoplasms. Last evaluated: 2021-07-08. Review status: criteria provided, single submitter. Criteria: Invitae Variant Classification Sherloc (09022015). Collection method: clinical testing. Allele origin: germline.
Comment: In summary, the available evidence is currently insufficient to determine the role of this variant in disease. Therefore, it has been classified as a Variant of Uncertain Significance. This variant, c.3199_3213del, results in the deletion of 5 amino acids of the MSH6 protein (p.Ser1067_Asp1071del), but otherwise preserves the integrity of the reading frame. This variant is not present in population databases (ExAC no frequency). This variant has not been reported in the literature in individuals with MSH6-related disease. ClinVar contains an entry for this variant (Variation ID: 410438). Experimental studies and prediction algorithms are not available for this variant, and the functional significance of the deleted amino acids is currently unknown.

NM_000179.3(MSH6):c.3199_3213del (p.Ser1067_Asp1071del)

Gene: MSH6 (mutS homolog 6; plus strand). Cytogenetic location: 2p16.3.
Variant type: Deletion.
Coding change: c.3199_3213del on transcript NM_000179.3 (MANE Select); coding-DNA positions 3199 to 3213, 15 bases deleted (AGTCGAGGGGGTGAT).
Protein change: p.Ser1067_Asp1071del.
Molecular consequence: inframe deletion.
Genome position (GRCh38, 1-based): chr2:47,803,446-47,803,460, AGTCGAGGGGGTGAT deleted; deleting any 15 consecutive bases within chr2:47,803,444-47,803,460 gives the same sequence; the c. name uses the placement nearest the transcript's 3' end. VCF-style (leftmost placement, unchanged base first): chr2-47803443-TATAGTCGAGGGGGTG-T. GRCh37 (hg19) VCF-style: chr2-48030582-TATAGTCGAGGGGGTG-T.
Other names: c.2809_2823del, p.Ser937_Asp941del (NM_001281492.2); c.2293_2307del, p.Ser765_Asp769del (NM_001281493.2, NM_001281494.2); c.3199_3213delAGTCGAGGGGGTGAT (NM_000179.2).
Identifiers: ClinVar variation 410438 (VCV000410438.12), dbSNP rs1064792972, ClinGen allele CA16611023.